The following is an entry in ClinVar:

ClinVar aggregate classification (germline): Pathogenic (1 of 4 stars; one submission).

Conditions:
Neurofibromatosis, type 2 (SWNV). Also called: NF2-Related Schwannomatosis; BILATERAL ACOUSTIC NEUROFIBROMATOSIS; SCHWANNOMATOSIS, VESTIBULAR. Identifiers: Orphanet 637, MedGen C0027832, MONDO:0007039, OMIM 101000. Disease mechanism: loss of function.

Submission:

Labcorp Genetics (formerly Invitae), Labcorp
Classification: Pathogenic for Neurofibromatosis, type 2. Last evaluated: 2018-05-10. Review status: criteria provided, single submitter. Criteria: Invitae Variant Classification Sherloc (09022015). Collection method: clinical testing. Allele origin: germline.
Comment: This variant is a gross deletion of the genomic region encompassing exons 1-8 of the NF2 gene, which includes the initiator codon. The 5' end of this event is unknown as it extends beyond the assayed region for this gene and therefore may encompass additional genes. The 3' boundary is likely confined to intron 8 of the NF2 gene. This is expected to result in an absent or disrupted protein product. A similar deletion has been observed in an individual affected with neurofibromatosis type 2 (PMID:¬†9817927). Loss-of-function variants in NF2 are known to be pathogenic (PMID: 9643284, 16983642). For these reasons, this variant has been classified as Pathogenic.

Literature cited by the submitters: PubMed 9643284; PubMed 16983642.

NC_000022.11:g.(?_29636741)_(29661349_?)del

Gene: NF2 (NF2, moesin-ezrin-radixin like (MERLIN) tumor suppressor; plus strand). Cytogenetic location: 22q12.2.
Variant type: Deletion.
Identifiers: ClinVar variation 583523 (VCV000583523.12).